The following is an entry in ClinVar:

NM_001876.4(CPT1A):c.1597T>C (p.Ser533Pro)

Gene: CPT1A (carnitine palmitoyltransferase 1A; minus strand). Cytogenetic location: 11q13.3.
Variant type: single nucleotide variant.
Coding change: c.1597T>C on transcript NM_001876.4 (MANE Select); coding-DNA position 1597, T replaced by C.
Protein change: p.Ser533Pro; replaces serine 533 with proline.
Molecular consequence: missense variant.
Genome position (GRCh38, 1-based): chr11:68,773,408, A>G on the plus strand (T>C on the coding strand, the complement: CPT1A is on the minus strand). VCF-style: chr11-68773408-A-G. GRCh37 (hg19) VCF-style: chr11-68540876-A-G.
Other names: c.1597T>C, p.Ser533Pro (NM_001031847.3); short protein forms S533P.
Identifiers: ClinVar variation 990109 (VCV000990109.7), dbSNP rs1855050882, ClinGen allele CA381629180.

ClinVar aggregate classification (germline): Conflicting classifications of pathogenicity. Review status: criteria provided, conflicting classifications (1 of 4 stars). 4 submissions from 4 submitters: Likely pathogenic (1); Uncertain significance (2). 1 of the submissions does not count toward it. Last evaluated 2025-10-27.

Conditions:
Carnitine palmitoyl transferase 1A deficiency. Also called: Carnitine palmitoyltransferase 1A deficiency; Carnitine palmitoyltransferase type I deficiency; CPT I DEFICIENCY; CPT DEFICIENCY, HEPATIC, TYPE I; CPT deficiency, hepatic, type IA. Identifiers: Orphanet 156, MedGen C1829703, MONDO:0009705, OMIM 255120.

gnomAD v4.1: 1 of 1,614,024 alleles (0.000062%); no homozygotes.

Submissions (4):

Myriad Genetics, Inc.
Classification: Uncertain significance for Carnitine palmitoyl transferase 1A deficiency. Last evaluated: 2025-10-27. Review status: criteria provided, single submitter. Criteria: Myriad Autosomal Dominant, Autosomal Recessive and X-Linked Classification Criteria (2023). Collection method: clinical testing. Allele origin: unknown.
Comment: NM_001876.3(CPT1A):c.1597T>C(S533P) is a missense variant classified as a variant of uncertain significance in the context of carnitine palmitoyltransferase IA deficiency. S533P has not been observed in cases with relevant disease. Relevant functional assessments of this variant are not available in the literature. S533P has not been observed in referenced population frequency databases. In summary, there is insufficient evidence to classify NM_001876.3(CPT1A):c.1597T>C(S533P) as pathogenic or benign. Please note: this variant was assessed in the context of healthy population screening.

Labcorp Genetics (formerly Invitae), Labcorp
Classification: Uncertain significance for Carnitine palmitoyl transferase 1A deficiency. Last evaluated: 2025-03-22. Review status: criteria provided, single submitter. Criteria: Invitae Variant Classification Sherloc (09022015). Collection method: clinical testing. Allele origin: germline.
Comment: This sequence change replaces serine, which is neutral and polar, with proline, which is neutral and non-polar, at codon 533 of the CPT1A protein (p.Ser533Pro). This variant is not present in population databases (gnomAD no frequency). This variant has not been reported in the literature in individuals affected with CPT1A-related conditions. ClinVar contains an entry for this variant (Variation ID: 990109). Invitae Evidence Modeling of protein sequence and biophysical properties (such as structural, functional, and spatial information, amino acid conservation, physicochemical variation, residue mobility, and thermodynamic stability) has been performed for this missense variant. However, the output from this modeling did not meet the statistical confidence thresholds required to predict the impact of this variant on CPT1A protein function. In summary, the available evidence is currently insufficient to determine the role of this variant in disease. Therefore, it has been classified as a Variant of Uncertain Significance.

Fulgent Genetics
Classification: Likely pathogenic for Carnitine palmitoyl transferase 1A deficiency. Last evaluated: 2024-06-13. Review status: criteria provided, single submitter. Criteria: ACMG Guidelines, 2015. Collection method: clinical testing. Allele origin: germline.

Natera, Inc.
Classification: Uncertain significance for Carnitine palmitoyltransferase type I deficiency. Last evaluated: 2020-08-14. Review status: no assertion criteria provided. Collection method: clinical testing. Allele origin: germline. Not counted in ClinVar's aggregate classification.